The following is an entry in ClinVar:

NM_001282531.3(ADNP):c.3056T>C (p.Met1019Thr)

Gene: ADNP (activity dependent neuroprotector homeobox; minus strand). Cytogenetic location: 20q13.13.
Variant type: single nucleotide variant.
Coding change: c.3056T>C on transcript NM_001282531.3 (MANE Select); coding-DNA position 3056, T replaced by C.
Protein change: p.Met1019Thr; replaces methionine 1019 with threonine.
Molecular consequence: missense variant.
Genome position (GRCh38, 1-based): chr20:50,891,658, A>G on the plus strand (T>C on the coding strand, the complement: ADNP is on the minus strand). VCF-style: chr20-50891658-A-G. GRCh37 (hg19) VCF-style: chr20-49508195-A-G.
Other names: c.3056T>C, p.Met1019Thr (NM_001282532.2, NM_001347511.2, NM_015339.5 and 1 more transcripts); short protein forms M1019T.
Identifiers: ClinVar variation 1027971 (VCV001027971.2), dbSNP rs1243550758, ClinGen allele CA408967195.
Genomic context (GRCh38, chr20:50,891,658, plus strand): 5'-AACCCTTCAACTTTTCCATAGGAACTATTCTTCCATTTCAACTGCTCTCTGTCACCTTGC[A>G]TGGTAGCCTTTTTTTTGGCAGCTGGCTTACTGCTCCTTGCATCTTCGCTTTGGGAAGACT-3'
Protein context (NP_001269460.1, residues 1009-1029): SKPAAKKKAT[Met1019Thr]QGDREQLKWK

ClinVar aggregate classification (germline): Conflicting classifications of pathogenicity. Review status: criteria provided, conflicting classifications (1 of 4 stars). 2 submissions from 2 submitters: Uncertain significance (1); Likely benign (1). Last evaluated 2020-07-27.

Conditions:
ADNP-related multiple congenital anomalies - intellectual disability - autism spectrum disorder. Also called: Helsmoortel-Van der Aa Syndrome; ADNP-Related Helsmoortel-Van der Aa Syndrome. Identifiers: Orphanet 404448, MedGen C4014538, MONDO:0014379, OMIM 615873. Disease mechanism: loss of function.

Allele frequency attached by ClinVar (database versions not stated): gnomAD exomes below 0.00001; TOPMed below 0.00001.

Submissions (2):

Baylor Genetics
Classification: Uncertain significance for ADNP-related multiple congenital anomalies - intellectual disability - autism spectrum disorder. Last evaluated: 2020-07-27. Review status: criteria provided, single submitter. Criteria: ACMG Guidelines, 2015. Collection method: clinical testing. Allele origin: unknown. Affected: yes.
Comment: This variant was determined to be of uncertain significance according to ACMG Guidelines, 2015 [PMID:25741868].

Blueprint Genetics
Classification: Likely benign. Last evaluated: 2018-09-25. Review status: criteria provided, single submitter. Criteria: ACMG Guidelines, 2015. Collection method: clinical testing. Allele origin: germline.